The following is an entry in ClinVar:

ClinVar aggregate classification (germline): Likely pathogenic (1 of 4 stars; one submission).

Conditions:
Nemaline myopathy 2 (NEM2). Also called: Nemaline myopathy 2, autosomal recessive. Identifiers: MedGen C1850569, MONDO:0009725, OMIM 256030.

Submission:

Myriad Genetics, Inc.
Classification: Likely pathogenic for Nemaline myopathy 2. Last evaluated: 2022-01-02. Review status: criteria provided, single submitter. Criteria: Myriad Women's Health Autosomal Recessive and X-Linked Classification Criteria (2021). Collection method: clinical testing. Allele origin: unknown.
Comment: NM_001271208.1(NEB):c.4922_4928del7(Q1641Lfs*21) is expected to be pathogenic in the context of NEB-related nemaline myopathy. This variant is predicted to lead to an abnormal or absent protein product due to the creation of a premature termination codon in NEB, a gene where loss-of-function variants are known to be pathogenic. Please note: this variant was assessed in the context of healthy population screening.

NM_001164508.2(NEB):c.4922_4928del (p.Gln1641fs)

Gene: NEB (nebulin; minus strand). Cytogenetic location: 2q23.3.
Variant type: Deletion.
Coding change: c.4922_4928del on transcript NM_001164508.2 (MANE Select); coding-DNA positions 4922 to 4928, 7 bases deleted (AGGAGGT; older notation c.4922_4928delAGGAGGT).
Protein change: p.Gln1641fs; shifts the reading frame from glutamine 1641.
Molecular consequence: frameshift variant.
Genome position (GRCh38, 1-based): chr2:151,666,193-151,666,199, ACCTCCT deleted on the plus strand (AGGAGGT on the coding strand, the reverse complement: NEB is on the minus strand). VCF-style (leftmost placement, unchanged base first): chr2-151666192-AACCTCCT-A. GRCh37 (hg19) VCF-style: chr2-152522706-AACCTCCT-A.
Other names: c.4922_4928del, p.Gln1641fs (NM_001164507.2, NM_001271208.2, NM_004543.5); short protein forms Q1641fs.
Identifiers: ClinVar variation 1726971 (VCV001726971.2), dbSNP rs2552258214, ClinGen allele CA2580064090.
Genomic context (GRCh38, chr2:151,666,192, plus strand): 5'-CAAGGCATCGGGCAGGAGAGTGTAGTGGTGGTATGACTGTCTGTAGTTGGCGTTGGTGGC[AACCTCCT>A]GAGATTTCTTTGCAGCTGTCACACTGACCATATCCAGAGGTGTGTGGTACTTGGTCTTGC-3'